The following is an entry in ClinVar:

NM_001287491.2(TET3):c.5275AAG[1] (p.Lys1760del)

Gene: TET3 (tet methylcytosine dioxygenase 3; plus strand). Cytogenetic location: 2p13.1.
Variant type: Microsatellite.
Coding change: c.5275AAG[1] on transcript NM_001287491.2 (MANE Select); one copy of the 3-base unit AAG starting at c.5275; the reference has two copies in a row; one copy, 3 bases deleted; also written c.5278_5280del.
Protein change: p.Lys1760del; deletes lysine 1760.
Molecular consequence: inframe deletion.
Genome position (GRCh38, 1-based): chr2:74,102,066-74,102,068, AAG deleted; deleting any 3 consecutive bases within chr2:74,102,061-74,102,068 gives the same sequence; the position shown is the placement nearest the transcript's 3' end. VCF-style (leftmost placement, unchanged base first): chr2-74102060-GAGA-G. GRCh37 (hg19) VCF-style: chr2-74329187-GAGA-G.
Other names: c.5278_5280del (NM_001287491.1, NM_001287491.2); c.4996AAG[1], p.Lys1667del (NM_001366022.1); short protein forms K1667del, K1760del.
Identifiers: ClinVar variation 3904987 (VCV003904987.12).

ClinVar aggregate classification (germline): Conflicting classifications of pathogenicity. Review status: criteria provided, conflicting classifications (1 of 4 stars). 3 submissions from 3 submitters: Uncertain significance (2); Likely benign (1). Last evaluated 2025-12-01.

Conditions:
Beck-Fahrner syndrome (BEFAHRS). Identifiers: Orphanet 684216, MedGen C5394097, MONDO:0032922, OMIM 618798.

Submissions (3):

CeGaT Center for Human Genetics Tuebingen
Classification: Likely benign. Last evaluated: 2025-12-01. Review status: criteria provided, single submitter. Criteria: CeGaT Center For Human Genetics Tuebingen Variant Classification Criteria Version 2. Collection method: clinical testing. Allele origin: germline. Affected: yes. Observed: 2 variant alleles.
Comment: TET3: PM4:Supporting, BS1

Genesolutions, Medical Genetics Institutes, Ho Chi Minh City, Vietnam
Classification: Uncertain significance for Beck-Fahrner syndrome. Last evaluated: 2025-09-24. Review status: criteria provided, single submitter. Criteria: ACMG Guidelines, 2015. Collection method: clinical testing. Allele origin: germline. Affected: yes.

GeneDx
Classification: Uncertain significance. Last evaluated: 2025-07-17. Review status: criteria provided, single submitter. Criteria: GeneDx Variant Classification Process June 2021. Collection method: clinical testing. Allele origin: germline. Affected: yes.
Comment: In-frame deletion of 1 amino acid(s) in a non-repeat region; In silico analysis supports a deleterious effect on protein structure/function; Has not been previously published as pathogenic or benign to our knowledge